The following is an entry in ClinVar:

ClinVar aggregate classification (germline): Uncertain significance (1 of 4 stars; one submission).

gnomAD v4.1: 2 of 1,497,174 alleles (0.00013%); highest among the groups gnomAD compares: Non-Finnish European, 0.000089%; no homozygotes.

Submission:

Labcorp Genetics (formerly Invitae), Labcorp
Classification: Uncertain significance. Last evaluated: 2022-09-08. Review status: criteria provided, single submitter. Criteria: Invitae Variant Classification Sherloc (09022015). Collection method: clinical testing. Allele origin: germline.
Comment: This sequence change replaces serine, which is neutral and polar, with leucine, which is neutral and non-polar, at codon 4 of the MYO5A protein (p.Ser4Leu). This variant is not present in population databases (gnomAD no frequency). This variant has not been reported in the literature in individuals affected with MYO5A-related conditions. Algorithms developed to predict the effect of missense changes on protein structure and function (SIFT, PolyPhen-2, Align-GVGD) all suggest that this variant is likely to be tolerated. In summary, the available evidence is currently insufficient to determine the role of this variant in disease. Therefore, it has been classified as a Variant of Uncertain Significance.

NM_001382347.1(MYO5A):c.11C>T (p.Ser4Leu)

Genes: MYO5A (myosin VA; minus strand), LOC130057090 (ATAC-STARR-seq lymphoblastoid silent region 6447; plus strand). Cytogenetic location: 15q21.2.
Variant type: single nucleotide variant.
Coding change: c.11C>T on transcript NM_001382347.1 (MANE Select); coding-DNA position 11, C replaced by T.
Protein change: p.Ser4Leu; replaces serine 4 with leucine.
Molecular consequence: missense variant. On other transcripts: 5 prime UTR variant (2).
Genome position (GRCh38, 1-based): chr15:52,528,796, G>A on the plus strand (C>T on the coding strand, the complement: MYO5A is on the minus strand). VCF-style: chr15-52528796-G-A. GRCh37 (hg19) VCF-style: chr15-52820993-G-A.
Other names: c.11C>T, p.Ser4Leu (NM_000259.3, NM_001142495.2, NM_001411135.1); c.-38C>T (NM_001382348.1, NM_001382349.1); short protein forms S4L.
Identifiers: ClinVar variation 2191007 (VCV002191007.4), dbSNP rs2544726766, ClinGen allele CA392766396.